The following is an entry in ClinVar:

ClinVar aggregate classification (germline): Uncertain significance. Review status: criteria provided, multiple submitters, no conflicts (2 of 4 stars). 3 submissions from 3 submitters: Uncertain significance (3). Last evaluated 2025-11-20.

Conditions:
Inborn genetic diseases. Identifiers: MedGen C0950123, MeSH D030342.
Elliptocytosis 1 (EL1). Also called: 4.1- TRAIT; 4.1-MINUS TRAIT; ELLIPTOCYTOSIS, RHESUS-LINKED TYPE; PROTEIN 4.1 OF ERYTHROCYTE MEMBRANE, DEFECT OF. Identifiers: Orphanet 288, MedGen C2678497, MONDO:0012731, OMIM 611804.

Allele frequency attached by ClinVar (database versions not stated): gnomAD exomes 0.00005; ExAC 0.00007; TOPMed 0.00007; gnomAD 0.00008; ESP Exome Variant Server 0.00015.
gnomAD v4.1: 81 of 1,614,206 alleles (0.005%); highest among the groups gnomAD compares: East Asian, 0.0089%; no homozygotes.

Submissions (3):

Ambry Genetics
Classification: Uncertain significance for Inborn genetic diseases. Last evaluated: 2025-11-20. Review status: criteria provided, single submitter. Criteria: Ambry Variant Classification Scheme 2023. Collection method: clinical testing. Allele origin: germline.

Revvity Omics, Revvity
Classification: Uncertain significance for Elliptocytosis 1. Last evaluated: 2023-03-14. Review status: criteria provided, single submitter. Criteria: ACMG Guidelines, 2015. Collection method: clinical testing. Allele origin: germline.

Labcorp Genetics (formerly Invitae), Labcorp
Classification: Uncertain significance. Last evaluated: 2023-03-11. Review status: criteria provided, single submitter. Criteria: Invitae Variant Classification Sherloc (09022015). Collection method: clinical testing. Allele origin: germline.
Comment: ClinVar contains an entry for this variant (Variation ID: 2194273). This sequence change replaces asparagine, which is neutral and polar, with serine, which is neutral and polar, at codon 35 of the EPB41 protein (p.Asn35Ser). This variant is present in population databases (rs373464494, gnomAD 0.009%). This variant has not been reported in the literature in individuals affected with EPB41-related conditions. Advanced modeling of protein sequence and biophysical properties (such as structural, functional, and spatial information, amino acid conservation, physicochemical variation, residue mobility, and thermodynamic stability) performed at Invitae indicates that this missense variant is expected to disrupt EPB41 protein function. In summary, the available evidence is currently insufficient to determine the role of this variant in disease. Therefore, it has been classified as a Variant of Uncertain Significance.

NM_001376013.1(EPB41):c.731A>G (p.Asn244Ser)

Gene: EPB41 (erythrocyte membrane protein band 4.1; plus strand). Cytogenetic location: 1p35.3.
Variant type: single nucleotide variant.
Coding change: c.731A>G on transcript NM_001376013.1 (MANE Select); coding-DNA position 731, A replaced by G.
Protein change: p.Asn244Ser; replaces asparagine 244 with serine.
Molecular consequence: missense variant. On other transcripts: intron variant (1).
Genome position (GRCh38, 1-based): chr1:28,997,264, A>G. VCF-style: chr1-28997264-A-G. GRCh37 (hg19) VCF-style: chr1-29323776-A-G.
Other names: c.731A>G, p.Asn244Ser (NM_001166005.2, NM_001166006.2, NM_001376014.1 and 7 more transcripts); c.104A>G, p.Asn35Ser (NM_001166007.2, NM_001376022.1, NM_001376023.1 and 7 more transcripts); c.681+3722A>G (NM_203343.3); c.104A>G (NM_004437.3); short protein forms N35S, N244S.
Identifiers: ClinVar variation 2194273 (VCV002194273.8), dbSNP rs373464494, ClinGen allele CA724293.